The following is an entry in ClinVar:

NM_001042492.3(NF1):c.2995G>A (p.Val999Ile)

Gene: NF1 (neurofibromin 1; plus strand). Cytogenetic location: 17q11.2.
Variant type: single nucleotide variant.
Coding change: c.2995G>A on transcript NM_001042492.3 (MANE Select); coding-DNA position 2995, G replaced by A.
Protein change: p.Val999Ile; replaces valine 999 with isoleucine.
Molecular consequence: missense variant.
Genome position (GRCh38, 1-based): chr17:31,230,264, G>A. VCF-style: chr17-31230264-G-A. GRCh37 (hg19) VCF-style: chr17-29557282-G-A.
Other names: c.2995G>A, p.Val999Ile (NM_000267.4); short protein forms V999I.
Identifiers: ClinVar variation 861887 (VCV000861887.6), dbSNP rs2067090218, ClinGen allele CA398986516.

ClinVar aggregate classification (germline): Uncertain significance (1 of 4 stars; one submission).

Conditions:
Neurofibromatosis, type 1 (NF1). Also called: Neurofibromatosis, type I; VON RECKLINGHAUSEN DISEASE; Peripheral type neurofibromatosis; NEUROFIBROMATOSIS, TYPE I, SOMATIC. Identifiers: Orphanet 636, MedGen C0027831, MONDO:0018975, OMIM 162200. Disease mechanism: loss of function.

Allele frequency attached by ClinVar (database versions not stated): gnomAD exomes below 0.00001; gnomAD 0.00001.
gnomAD v4.1: 2 of 1,613,046 alleles (0.00012%); highest among the groups gnomAD compares: Admixed American, 0.0017%; no homozygotes.

Submission:

Labcorp Genetics (formerly Invitae), Labcorp
Classification: Uncertain significance for Neurofibromatosis, type 1. Last evaluated: 2025-04-29. Review status: criteria provided, single submitter. Criteria: Invitae Variant Classification Sherloc (09022015). Collection method: clinical testing. Allele origin: germline.
Comment: This sequence change replaces valine, which is neutral and non-polar, with isoleucine, which is neutral and non-polar, at codon 999 of the NF1 protein (p.Val999Ile). This variant is not present in population databases (gnomAD no frequency). This variant has not been reported in the literature in individuals affected with NF1-related conditions. ClinVar contains an entry for this variant (Variation ID: 861887). Invitae Evidence Modeling of protein sequence and biophysical properties (such as structural, functional, and spatial information, amino acid conservation, physicochemical variation, residue mobility, and thermodynamic stability) has been performed for this missense variant. However, the output from this modeling did not meet the statistical confidence thresholds required to predict the impact of this variant on NF1 protein function. In summary, the available evidence is currently insufficient to determine the role of this variant in disease. Therefore, it has been classified as a Variant of Uncertain Significance.